The following is an entry in ClinVar:

NM_003995.4(NPR2):c.631G>A (p.Glu211Lys)

Gene: NPR2 (natriuretic peptide receptor 2; plus strand). Cytogenetic location: 9p13.3.
Variant type: single nucleotide variant.
Coding change: c.631G>A on transcript NM_003995.4 (MANE Select); coding-DNA position 631, G replaced by A.
Protein change: p.Glu211Lys; replaces glutamic acid 211 with lysine.
Molecular consequence: missense variant.
Genome position (GRCh38, 1-based): chr9:35,793,039, G>A. VCF-style: chr9-35793039-G-A. GRCh37 (hg19) VCF-style: chr9-35793036-G-A.
Other names: c.631G>A, p.Glu211Lys (NM_001378923.1); short protein forms E211K.
Identifiers: ClinVar variation 1349905 (VCV001349905.6), dbSNP rs201027721, ClinGen allele CA5051476.
Genomic context (GRCh38, chr9:35,793,039, plus strand): 5'-CTGCAGGGCAGCAACCTCAGTGTGCAGCACCAGGTGTATGCCCGAGAGCCAGGGGGCCCC[G>A]AGCAGGCCACCCACTTCATCCGGGCCAACGGGCGCAGTGAGTGTGGCCTGGGCTATTTTA-3'
Protein context (NP_003986.2, residues 201-221): QVYAREPGGP[Glu211Lys]QATHFIRANG

ClinVar aggregate classification (germline): Uncertain significance (1 of 4 stars; one submission).

Conditions:
Acromesomelic dysplasia 1, Maroteaux type (AMD1). Also called: ST. HELENA DYSPLASIA; ACROMESOMELIC DYSPLASIA 1. Identifiers: Orphanet 40, MedGen C1864356, MONDO:0011275, OMIM 602875.
Tall stature-scoliosis-macrodactyly of the great toes syndrome. Also called: Epiphyseal chondrodysplasia, miura type. Identifiers: Orphanet 329191, MedGen C4014690, MONDO:0014401, OMIM 615923.

Allele frequency attached by ClinVar (database versions not stated): gnomAD exomes below 0.00001 and 0.00003; ExAC 0.00001; gnomAD 0.00002 and 0.00003; TOPMed 0.00002; ESP Exome Variant Server 0.00008.
gnomAD v4.1: 40 of 1,605,356 alleles (0.0025%); highest among the groups gnomAD compares: South Asian, 0.0066%; no homozygotes.

Submission:

Labcorp Genetics (formerly Invitae), Labcorp
Classification: Uncertain significance for Tall stature-scoliosis-macrodactyly of the great toes syndrome; Acromesomelic dysplasia 1, Maroteaux type. Last evaluated: 2023-10-20. Review status: criteria provided, single submitter. Criteria: Invitae Variant Classification Sherloc (09022015). Collection method: clinical testing. Allele origin: germline.
Comment: This sequence change replaces glutamic acid, which is acidic and polar, with lysine, which is basic and polar, at codon 211 of the NPR2 protein (p.Glu211Lys). This variant is present in population databases (rs201027721, gnomAD 0.009%). This variant has not been reported in the literature in individuals affected with NPR2-related conditions. ClinVar contains an entry for this variant (Variation ID: 1349905). Advanced modeling of protein sequence and biophysical properties (such as structural, functional, and spatial information, amino acid conservation, physicochemical variation, residue mobility, and thermodynamic stability) performed at Invitae indicates that this missense variant is not expected to disrupt NPR2 protein function. In summary, the available evidence is currently insufficient to determine the role of this variant in disease. Therefore, it has been classified as a Variant of Uncertain Significance.